The following is an entry in ClinVar:

NM_198578.4(LRRK2):c.4238C>A (p.Ala1413Glu)

Gene: LRRK2 (leucine rich repeat kinase 2; plus strand). Cytogenetic location: 12q12.
Variant type: single nucleotide variant.
Coding change: c.4238C>A on transcript NM_198578.4 (MANE Select); coding-DNA position 4238, C replaced by A.
Protein change: p.Ala1413Glu; replaces alanine 1413 with glutamic acid.
Molecular consequence: missense variant.
Genome position (GRCh38, 1-based): chr12:40,309,154, C>A. VCF-style: chr12-40309154-C-A. GRCh37 (hg19) VCF-style: chr12-40702956-C-A.
Other names: short protein forms A1413E.
Identifiers: ClinVar variation 1738952 (VCV001738952.7), dbSNP rs2499817983, ClinGen allele CA384418065.

ClinVar aggregate classification (germline): Uncertain significance. Review status: criteria provided, multiple submitters, no conflicts (2 of 4 stars). 2 submissions from 2 submitters: Uncertain significance (2). Last evaluated 2023-12-17.

Conditions:
Inborn genetic diseases. Identifiers: MedGen C0950123, MeSH D030342.
Autosomal dominant Parkinson disease 8. Also called: LRRK2-Related Parkinson Disease; Parkinson disease 8; Parkinson disease 8, susceptibility to. Identifiers: Orphanet 411602, MedGen C1846862, MONDO:0011764, OMIM 607060.

Allele frequency attached by ClinVar (database versions not stated): gnomAD exomes below 0.00001.

Submissions (2):

Ambry Genetics
Classification: Uncertain significance for Inborn genetic diseases. Last evaluated: 2023-12-17. Review status: criteria provided, single submitter. Criteria: Ambry Variant Classification Scheme 2023. Collection method: clinical testing. Allele origin: germline.
Comment: The p.A1413E variant (also known as c.4238C>A), located in coding exon 30 of the LRRK2 gene, results from a C to A substitution at nucleotide position 4238. The alanine at codon 1413 is replaced by glutamic acid, an amino acid with dissimilar properties. This amino acid position is conserved. In addition, this alteration is predicted to be deleterious by in silico analysis. Since supporting evidence is limited at this time, the clinical significance of this alteration remains unclear.

Labcorp Genetics (formerly Invitae), Labcorp
Classification: Uncertain significance for Autosomal dominant Parkinson disease 8. Last evaluated: 2022-05-01. Review status: criteria provided, single submitter. Criteria: Invitae Variant Classification Sherloc (09022015). Collection method: clinical testing. Allele origin: germline.
Comment: This variant has not been reported in the literature in individuals affected with LRRK2-related conditions. In summary, the available evidence is currently insufficient to determine the role of this variant in disease. Therefore, it has been classified as a Variant of Uncertain Significance. Algorithms developed to predict the effect of missense changes on protein structure and function are either unavailable or do not agree on the potential impact of this missense change (SIFT: "Deleterious"; PolyPhen-2: "Probably Damaging"; Align-GVGD: "Class C0"). This variant is not present in population databases (gnomAD no frequency). This sequence change replaces alanine, which is neutral and non-polar, with glutamic acid, which is acidic and polar, at codon 1413 of the LRRK2 protein (p.Ala1413Glu).